The following is an entry in ClinVar:

NM_032119.4(ADGRV1):c.2596C>T (p.Arg866Trp)

Gene: ADGRV1 (adhesion G protein-coupled receptor V1; plus strand). Cytogenetic location: 5q14.3.
Variant type: single nucleotide variant.
Coding change: c.2596C>T on transcript NM_032119.4 (MANE Select); coding-DNA position 2596, C replaced by T.
Protein change: p.Arg866Trp; replaces arginine 866 with tryptophan.
Molecular consequence: missense variant. On other transcripts: non-coding transcript variant (1).
Genome position (GRCh38, 1-based): chr5:90,643,845, C>T. VCF-style: chr5-90643845-C-T. GRCh37 (hg19) VCF-style: chr5-89939662-C-T.
Other names: short protein forms R866W.
Identifiers: ClinVar variation 499418 (VCV000499418.32), dbSNP rs200389929, ClinGen allele CA3338975.

ClinVar aggregate classification (germline): Conflicting classifications of pathogenicity. Review status: criteria provided, conflicting classifications (1 of 4 stars). 8 submissions from 8 submitters: Uncertain significance (3); Likely benign (4). 1 of the submissions does not count toward it. Last evaluated 2025-12-08.

Conditions:
Usher syndrome type 2C. Also called: Usher syndrome, type 2B; USHER SYNDROME, TYPE IIC. Identifiers: Orphanet 231178, Orphanet 886, MedGen C2931213, MONDO:0011558, OMIM 605472.
ADGRV1-related disorder. Also called: ADGRV1-related disorders; ADGRV1-related condition.

Allele frequency attached by ClinVar (database versions not stated): gnomAD 0.00011 and 0.00015; TOPMed 0.00014; gnomAD exomes 0.00015 and 0.00036; 1000 Genomes Project 0.00040; 1000 Genomes Project 30x 0.00047; ExAC 0.00050.
gnomAD v4.1: 242 of 1,610,454 alleles (0.015%); highest among the groups gnomAD compares: Admixed American, 0.076%; 3 homozygotes.

Submissions (8):

Labcorp Genetics (formerly Invitae), Labcorp
Classification: Likely benign. Last evaluated: 2025-12-08. Review status: criteria provided, single submitter. Criteria: Invitae Variant Classification Sherloc (09022015). Collection method: clinical testing. Allele origin: germline.

CeGaT Center for Human Genetics Tuebingen
Classification: Likely benign. Last evaluated: 2025-04-01. Review status: criteria provided, single submitter. Criteria: CeGaT Center For Human Genetics Tuebingen Variant Classification Criteria Version 2. Collection method: clinical testing. Allele origin: germline. Affected: yes. Observed: 1 variant allele.
Comment: ADGRV1: BP4

Blueprint Genetics
Classification: Likely benign. Last evaluated: 2024-11-21. Review status: criteria provided, single submitter. Criteria: ACMG Guidelines, 2015. Collection method: clinical testing. Allele origin: germline.

GeneDx
Classification: Likely benign. Last evaluated: 2021-05-28. Review status: criteria provided, single submitter. Criteria: GeneDx Variant Classification Process June 2021. Collection method: clinical testing. Allele origin: germline. Affected: yes.

Genomic Research Center, Shahid Beheshti University of Medical Sciences
Classification: Uncertain significance. Last evaluated: 2019-01-01. Review status: criteria provided, single submitter. Criteria: ACMG Guidelines, 2015. Collection method: clinical testing. Allele origin: unknown. Affected: yes. Observed: 1 variant allele.

Illumina Laboratory Services, Illumina
Classification: Uncertain significance for Usher syndrome type 2C. Last evaluated: 2018-01-13. Review status: criteria provided, single submitter. Criteria: ICSL Variant Classification Criteria 13 December 2019. Collection method: clinical testing. Allele origin: germline.

Eurofins Ntd Llc (ga)
Classification: Uncertain significance. Last evaluated: 2017-01-16. Review status: criteria provided, single submitter. Criteria: EGL Classification Definitions 2015. Collection method: clinical testing. Allele origin: germline. Observed: 1 variant allele, 1 heterozygote.

PreventionGenetics, part of Exact Sciences
Classification: Likely benign for ADGRV1-related condition. Last evaluated: 2024-08-25. Review status: no assertion criteria provided. Collection method: clinical testing. Allele origin: germline. Not counted in ClinVar's aggregate classification.
Comment: This variant is classified as likely benign based on ACMG/AMP sequence variant interpretation guidelines (Richards et al. 2015 PMID: 25741868, with internal and published modifications).